The following is an entry in ClinVar:

NM_001378418.1(TCF20):c.1202G>A (p.Gly401Asp)

Gene: TCF20 (transcription factor 20; minus strand). Cytogenetic location: 22q13.2.
Variant type: single nucleotide variant.
Coding change: c.1202G>A on transcript NM_001378418.1 (MANE Select); coding-DNA position 1202, G replaced by A.
Protein change: p.Gly401Asp; replaces glycine 401 with aspartic acid.
Molecular consequence: missense variant.
Genome position (GRCh38, 1-based): chr22:42,214,104, C>T on the plus strand (G>A on the coding strand, the complement: TCF20 is on the minus strand). VCF-style: chr22-42214104-C-T. GRCh37 (hg19) VCF-style: chr22-42610110-C-T.
Other names: c.1202G>A, p.Gly401Asp (NM_181492.3, NM_005650.4); short protein forms G401D.
Identifiers: ClinVar variation 4775875 (VCV004775875.1).

ClinVar aggregate classification (germline): Uncertain significance (1 of 4 stars; one submission).

gnomAD v4.1: 2 of 1,614,090 alleles (0.00012%); highest among the groups gnomAD compares: East Asian, 0.0022%; no homozygotes.

Submission:

Labcorp Genetics (formerly Invitae), Labcorp
Classification: Uncertain significance. Last evaluated: 2025-03-22. Review status: criteria provided, single submitter. Criteria: Invitae Variant Classification Sherloc (09022015). Collection method: clinical testing. Allele origin: germline.
Comment: This sequence change replaces glycine, which is neutral and non-polar, with aspartic acid, which is acidic and polar, at codon 401 of the TCF20 protein (p.Gly401Asp). This variant is present in population databases (no rsID available, gnomAD 0.06%). This variant has not been reported in the literature in individuals affected with TCF20-related conditions. An algorithm developed to predict the effect of missense changes on protein structure and function (PolyPhen-2) suggests that this variant is likely to be disruptive. In summary, the available evidence is currently insufficient to determine the role of this variant in disease. Therefore, it has been classified as a Variant of Uncertain Significance.